The following is an entry in ClinVar:

NM_015466.4(PTPN23):c.2150C>T (p.Pro717Leu)

Gene: PTPN23 (protein tyrosine phosphatase non-receptor type 23; plus strand). Cytogenetic location: 3p21.31.
Variant type: single nucleotide variant.
Coding change: c.2150C>T on transcript NM_015466.4 (MANE Select); coding-DNA position 2150, C replaced by T.
Protein change: p.Pro717Leu; replaces proline 717 with leucine.
Molecular consequence: missense variant.
Genome position (GRCh38, 1-based): chr3:47,409,948, C>T. VCF-style: chr3-47409948-C-T. GRCh37 (hg19) VCF-style: chr3-47451438-C-T.
Other names: c.1772C>T, p.Pro591Leu (NM_001304482.2); short protein forms P591L, P717L.
Identifiers: ClinVar variation 1357497 (VCV001357497.3), dbSNP rs745783479, ClinGen allele CA2365957.

ClinVar aggregate classification (germline): Uncertain significance (1 of 4 stars; one submission).

Allele frequency attached by ClinVar (database versions not stated): ExAC 0.00001; gnomAD exomes 0.00002 and 0.00003; TOPMed 0.00002; gnomAD 0.00004.
gnomAD v4.1: 35 of 1,566,914 alleles (0.0022%); highest among the groups gnomAD compares: Admixed American, 0.0097%; no homozygotes.

Submission:

Labcorp Genetics (formerly Invitae), Labcorp
Classification: Uncertain significance. Last evaluated: 2021-08-19. Review status: criteria provided, single submitter. Criteria: Invitae Variant Classification Sherloc (09022015). Collection method: clinical testing. Allele origin: germline.
Comment: This sequence change replaces proline with leucine at codon 717 of the PTPN23 protein (p.Pro717Leu). The proline residue is moderately conserved and there is a moderate physicochemical difference between proline and leucine. This variant is present in population databases (rs745783479, ExAC 0.01%). This variant has not been reported in the literature in individuals affected with PTPN23-related conditions. Algorithms developed to predict the effect of missense changes on protein structure and function are either unavailable or do not agree on the potential impact of this missense change (SIFT: "Deleterious"; PolyPhen-2: "Not Available"; Align-GVGD: "Class C0"). In summary, the available evidence is currently insufficient to determine the role of this variant in disease. Therefore, it has been classified as a Variant of Uncertain Significance.